The following is an entry in ClinVar:

ClinVar aggregate classification (germline): Pathogenic. Review status: criteria provided, single submitter (1 of 4 stars). 2 submissions from 2 submitters: Pathogenic (1). 1 of the submissions does not count toward it. Last evaluated 2024-09-23.

Conditions:
Autosomal recessive nonsyndromic hearing loss 2. Also called: DEAFNESS, AUTOSOMAL RECESSIVE 2; NEUROSENSORY NONSYNDROMIC RECESSIVE DEAFNESS 2. Identifiers: Orphanet 90636, MedGen C1838701, MONDO:0010807, OMIM 600060.
Usher syndrome type 1 (USH1). Also called: RETINITIS PIGMENTOSA AND CONGENITAL DEAFNESS. Identifiers: Orphanet 231169, Orphanet 886, MedGen C1568247, MONDO:0010168, OMIM 276900.

Allele frequency attached by ClinVar (database versions not stated): gnomAD exomes below 0.00001; ExAC 0.00001; gnomAD 0.00001; 1000 Genomes Project 30x 0.00016; 1000 Genomes Project 0.00020.
gnomAD v4.1: 3 of 1,613,234 alleles (0.00019%); highest among the groups gnomAD compares: South Asian, 0.0022%; no homozygotes.

Submissions (2):

Labcorp Genetics (formerly Invitae), Labcorp
Classification: Pathogenic. Last evaluated: 2024-09-23. Review status: criteria provided, single submitter. Criteria: Invitae Variant Classification Sherloc (09022015). Collection method: clinical testing. Allele origin: germline.
Comment: This sequence change affects a donor splice site in intron 2 of the MYO7A gene. It is expected to disrupt RNA splicing. Variants that disrupt the donor or acceptor splice site typically lead to a loss of protein function (PMID: 16199547), and loss-of-function variants in MYO7A are known to be pathogenic (PMID: 8900236, 25404053). This variant is present in population databases (rs564622720, gnomAD 0.003%). Disruption of this splice site has been observed in individual(s) with autosomal recessive deafness and/or Usher syndrome (PMID: 27068579, 32531858). ClinVar contains an entry for this variant (Variation ID: 558377). Algorithms developed to predict the effect of sequence changes on RNA splicing suggest that this variant may disrupt the consensus splice site. For these reasons, this variant has been classified as Pathogenic.

Counsyl
Classification: Likely pathogenic for Usher syndrome type 1; Autosomal recessive nonsyndromic hearing loss 2. Last evaluated: 2018-05-18. Review status: no assertion criteria provided. Collection method: clinical testing. Allele origin: unknown. Not counted in ClinVar's aggregate classification.

Literature cited by the submitters: PubMed 16199547 (cited by Labcorp Genetics (formerly Invitae), Labcorp); PubMed 8900236 (cited by Labcorp Genetics (formerly Invitae), Labcorp); PubMed 25404053 (cited by Labcorp Genetics (formerly Invitae), Labcorp); PubMed 27068579 (cited by Labcorp Genetics (formerly Invitae), Labcorp and Counsyl); PubMed 32531858 (cited by Labcorp Genetics (formerly Invitae), Labcorp).

NM_000260.4(MYO7A):c.18+2T>A

Gene: MYO7A (myosin VIIA; plus strand). Cytogenetic location: 11q13.5.
Variant type: single nucleotide variant.
Coding change: c.18+2T>A on transcript NM_000260.4 (MANE Select); the canonical splice donor site of the intron after coding-DNA position 18, T replaced by A.
Molecular consequence: splice donor variant.
Genome position (GRCh38, 1-based): chr11:77,130,654, T>A. VCF-style: chr11-77130654-T-A. GRCh37 (hg19) VCF-style: chr11-76841700-T-A.
Other names: c.-96+2T>A (NM_001369365.1); c.18+2T>A (NM_001127180.2).
Identifiers: ClinVar variation 558377 (VCV000558377.10), dbSNP rs564622720, ClinGen allele CA6196972.